The following is an entry in ClinVar:

ClinVar aggregate classification (germline): Uncertain significance. Review status: criteria provided, multiple submitters, no conflicts (2 of 4 stars). 3 submissions from 3 submitters: Uncertain significance (3). Last evaluated 2023-10-10.

Conditions:
Inborn genetic diseases. Identifiers: MedGen C0950123, MeSH D030342.

Allele frequency attached by ClinVar (database versions not stated): gnomAD 0.00001; TOPMed 0.00001; gnomAD exomes 0.00004.
gnomAD v4.1: 59 of 1,614,016 alleles (0.0037%); highest among the groups gnomAD compares: Non-Finnish European, 0.0048%; no homozygotes.

Submissions (3):

Ambry Genetics
Classification: Uncertain significance for Inborn genetic diseases. Last evaluated: 2023-10-10. Review status: criteria provided, single submitter. Criteria: Ambry Variant Classification Scheme 2023. Collection method: clinical testing. Allele origin: germline.

GeneDx
Classification: Uncertain significance. Last evaluated: 2022-06-16. Review status: criteria provided, single submitter. Criteria: GeneDx Variant Classification Process June 2021. Collection method: clinical testing. Allele origin: germline. Affected: yes.
Comment: Not observed at significant frequency in large population cohorts (gnomAD); In silico analysis supports that this missense variant has a deleterious effect on protein structure/function; Has not been previously published as pathogenic or benign to our knowledge

Blueprint Genetics
Classification: Uncertain significance. Last evaluated: 2022-05-02. Review status: criteria provided, single submitter. Criteria: ACMG Guidelines, 2015. Collection method: clinical testing. Allele origin: germline.

NM_139319.3(SLC17A8):c.200G>A (p.Cys67Tyr)

Gene: SLC17A8 (solute carrier family 17 member 8; plus strand). Cytogenetic location: 12q23.1.
Variant type: single nucleotide variant.
Coding change: c.200G>A on transcript NM_139319.3 (MANE Select); coding-DNA position 200, G replaced by A.
Protein change: p.Cys67Tyr; replaces cysteine 67 with tyrosine.
Molecular consequence: missense variant.
Genome position (GRCh38, 1-based): chr12:100,380,799, G>A. VCF-style: chr12-100380799-G-A. GRCh37 (hg19) VCF-style: chr12-100774577-G-A.
Other names: c.200G>A, p.Cys67Tyr (NM_001145288.2); short protein forms C67Y.
Identifiers: ClinVar variation 1693018 (VCV001693018.4), dbSNP rs1214978759, ClinGen allele CA386213502.